The following is an entry in ClinVar:

ClinVar aggregate classification (germline): Uncertain significance (1 of 4 stars; one submission).

Conditions:
Charcot-Marie-Tooth disease axonal type 2O. Also called: CHARCOT-MARIE-TOOTH NEUROPATHY, AXONAL, TYPE 2O; CHARCOT-MARIE-TOOTH DISEASE, AXONAL, AUTOSOMAL DOMINANT, TYPE 2O; Charcot-Marie-Tooth Neuropathy Type 2O; Charcot-Marie-Tooth disease, axonal, type 20. Identifiers: Orphanet 284232, MedGen C3280220, MONDO:0013644, OMIM 614228.

Submission:

Labcorp Genetics (formerly Invitae), Labcorp
Classification: Uncertain significance for Charcot-Marie-Tooth disease axonal type 2O. Last evaluated: 2026-01-26. Review status: criteria provided, single submitter. Criteria: Invitae Variant Classification Sherloc (09022015). Collection method: clinical testing. Allele origin: germline.
Comment: This sequence change replaces threonine, which is neutral and polar, with serine, which is neutral and polar, at codon 3969 of the DYNC1H1 protein (p.Thr3969Ser). This variant is not present in population databases (gnomAD no frequency). This variant has not been reported in the literature in individuals affected with DYNC1H1-related conditions. Invitae Evidence Modeling of protein sequence and biophysical properties (such as structural, functional, and spatial information, amino acid conservation, physicochemical variation, residue mobility, and thermodynamic stability) indicates that this missense variant is not expected to disrupt DYNC1H1 protein function with a negative predictive value of 95%. In summary, the available evidence is currently insufficient to determine the role of this variant in disease. Therefore, it has been classified as a Variant of Uncertain Significance.

NM_001376.5(DYNC1H1):c.11906C>G (p.Thr3969Ser)

Gene: DYNC1H1 (dynein cytoplasmic 1 heavy chain 1; plus strand). Cytogenetic location: 14q32.31.
Variant type: single nucleotide variant.
Coding change: c.11906C>G on transcript NM_001376.5 (MANE Select); coding-DNA position 11906, C replaced by G.
Protein change: p.Thr3969Ser; replaces threonine 3969 with serine.
Molecular consequence: missense variant.
Genome position (GRCh38, 1-based): chr14:102,040,638, C>G. VCF-style: chr14-102040638-C-G. GRCh37 (hg19) VCF-style: chr14-102506975-C-G.
Other names: short protein forms T3969S.
Identifiers: ClinVar variation 4802080 (VCV004802080.1).
Genomic context (GRCh38, chr14:102,040,638, plus strand): 5'-TTCCACTATTGTCTCCACAGCAATTTGGCATCTGGCTGGACAGCAGCTCCCCGGAGCAGA[C>G]TGTGCCCTACCTCTGGAGTGAAGAAACACCTGCAAGTAAGCCCCACTGTGGTTTTCTTTC-3'
Protein context (NP_001367.2, residues 3959-3979): IWLDSSSPEQ[Thr3969Ser]VPYLWSEETP